The following is an entry in ClinVar:

ClinVar aggregate classification (germline): Uncertain significance. Review status: criteria provided, multiple submitters, no conflicts (2 of 4 stars). 3 submissions from 3 submitters: Uncertain significance (3). Last evaluated 2024-04-06.

Conditions:
Familial adenomatous polyposis 1 (FAP1). Also called: FAMILIAL ADENOMATOUS POLYPOSIS 1, ATTENUATED; POLYPOSIS, ADENOMATOUS INTESTINAL. Identifiers: MedGen C2713442, MONDO:0021056, OMIM 175100. Disease mechanism: loss of function.
Hereditary cancer-predisposing syndrome. Also called: Hereditary neoplastic syndrome; Tumor predisposition; Neoplastic Syndromes, Hereditary; Hereditary Cancer Syndrome. Identifiers: Orphanet 140162, MedGen C0027672, MeSH D009386, MONDO:0015356.

Allele frequency attached by ClinVar (database versions not stated): gnomAD exomes below 0.00001; ExAC 0.00001.
gnomAD v4.1: 1 of 1,611,336 alleles (0.000062%); highest among the groups gnomAD compares: Non-Finnish European, 0.000085%; no homozygotes.

Submissions (3):

Labcorp Genetics (formerly Invitae), Labcorp
Classification: Uncertain significance for Familial adenomatous polyposis 1. Last evaluated: 2024-04-06. Review status: criteria provided, single submitter. Criteria: Invitae Variant Classification Sherloc (09022015). Collection method: clinical testing. Allele origin: germline.
Comment: This sequence change replaces alanine, which is neutral and non-polar, with glycine, which is neutral and non-polar, at codon 242 of the APC protein (p.Ala242Gly). This variant is present in population databases (rs781613529, gnomAD 0.0009%). This variant has not been reported in the literature in individuals affected with APC-related conditions. ClinVar contains an entry for this variant (Variation ID: 419422). Advanced modeling of protein sequence and biophysical properties (such as structural, functional, and spatial information, amino acid conservation, physicochemical variation, residue mobility, and thermodynamic stability) performed at Invitae indicates that this missense variant is not expected to disrupt APC protein function with a negative predictive value of 95%. In summary, the available evidence is currently insufficient to determine the role of this variant in disease. Therefore, it has been classified as a Variant of Uncertain Significance.

Ambry Genetics
Classification: Uncertain significance for Hereditary cancer-predisposing syndrome. Last evaluated: 2023-12-07. Review status: criteria provided, single submitter. Criteria: Ambry Variant Classification Scheme 2023. Collection method: clinical testing. Allele origin: germline.
Comment: The p.A242G variant (also known as c.725C>G), located in coding exon 6 of the APC gene, results from a C to G substitution at nucleotide position 725. The alanine at codon 242 is replaced by glycine, an amino acid with similar properties. This amino acid position is well conserved in available vertebrate species. In addition, in silico predictors for this gene do not accurately predict pathogenicity. Since supporting evidence is limited at this time, the clinical significance of this alteration remains unclear.

GeneDx
Classification: Uncertain significance. Last evaluated: 2018-10-04. Review status: criteria provided, single submitter. Criteria: GeneDx Variant Classification (06012015). Collection method: clinical testing. Allele origin: germline. Affected: yes.
Comment: This variant is denoted APC c.725C>G at the cDNA level, p.Ala242Gly (A242G) at the protein level, and results in the change of an Alanine to a Glycine (GCA>GGA). This variant has not, to our knowledge, been published in the literature as a pathogenic or benign germline variant. APC Ala242Gly was not observed at a significant allele frequency in large population cohorts (Lek 2016). This variant is not located in a known functional domain. In silico analysis, which includes protein predictors and evolutionary conservation, supports that this variant does not alter protein structure/function. Based on currently available evidence, it is unclear whether APC Ala242Gly is a pathogenic or benign variant. We consider it to be a variant of uncertain significance.

NM_000038.6(APC):c.725C>G (p.Ala242Gly)

Gene: APC (APC regulator of Wnt signaling pathway; plus strand). Cytogenetic location: 5q22.2.
Variant type: single nucleotide variant.
Coding change: c.725C>G on transcript NM_000038.6 (MANE Select); coding-DNA position 725, C replaced by G.
Protein change: p.Ala242Gly; replaces alanine 242 with glycine.
Molecular consequence: missense variant. On other transcripts: 5 prime UTR variant (1), intron variant (2).
Genome position (GRCh38, 1-based): chr5:112,792,525, C>G. VCF-style: chr5-112792525-C-G. GRCh37 (hg19) VCF-style: chr5-112128222-C-G.
Other names: c.755C>G, p.Ala252Gly (NM_001354902.2, NM_001354897.2); c.725C>G, p.Ala242Gly (NM_001354903.2, NM_001127510.3, NM_001354895.2 and 1 more transcripts); c.650C>G, p.Ala217Gly (NM_001354904.2, NM_001354898.2); c.-311C>G (NM_001354906.2); c.548C>G, p.Ala183Gly (NM_001354905.2, NM_001354900.2, NM_001354901.2); c.676-8754C>G (NM_001127511.3); c.646-8754C>G (NM_001354899.2); short protein forms A242G, A183G, A217G, A252G.
Identifiers: ClinVar variation 419422 (VCV000419422.6), dbSNP rs781613529, ClinGen allele CA047379.